The following is an entry in ClinVar:

ClinVar aggregate classification (germline): Pathogenic (1 of 4 stars; one submission).

Submission:

Labcorp Genetics (formerly Invitae), Labcorp
Classification: Pathogenic. Last evaluated: 2025-02-09. Review status: criteria provided, single submitter. Criteria: Invitae Variant Classification Sherloc (09022015). Collection method: clinical testing. Allele origin: germline.
Comment: This sequence change creates a premature translational stop signal (p.Glu1174*) in the CCDC88A gene. It is expected to result in an absent or disrupted protein product. Loss-of-function variants in CCDC88A are known to be pathogenic (PMID: 26917597, 30392057). This variant is not present in population databases (gnomAD no frequency). This variant has not been reported in the literature in individuals affected with CCDC88A-related conditions. For these reasons, this variant has been classified as Pathogenic.

Literature cited by the submitters: PubMed 26917597; PubMed 30392057.

NM_001365480.1(CCDC88A):c.3523G>T (p.Glu1175Ter)

Gene: CCDC88A (coiled-coil and HOOK domain protein 88A; minus strand). Cytogenetic location: 2p16.1.
Variant type: single nucleotide variant.
Coding change: c.3523G>T on transcript NM_001365480.1 (MANE Select); coding-DNA position 3523, G replaced by T.
Protein change: p.Glu1175Ter; replaces glutamic acid 1175 with a stop codon.
Molecular consequence: nonsense.
Genome position (GRCh38, 1-based): chr2:55,317,643, C>A on the plus strand (G>T on the coding strand, the complement: CCDC88A is on the minus strand). VCF-style: chr2-55317643-C-A. GRCh37 (hg19) VCF-style: chr2-55544779-C-A.
Other names: c.3520G>T, p.Glu1174Ter (NM_001135597.2, NM_001254943.2); c.3523G>T, p.Glu1175Ter (NM_018084.5); short protein forms E1175*, E1174*.
Identifiers: ClinVar variation 4712312 (VCV004712312.1).